The following is an entry in ClinVar:

ClinVar aggregate classification (germline): Uncertain significance (1 of 4 stars; one submission).

Submission:

Labcorp Genetics (formerly Invitae), Labcorp
Classification: Uncertain significance. Last evaluated: 2022-06-20. Review status: criteria provided, single submitter. Criteria: Invitae Variant Classification Sherloc (09022015). Collection method: clinical testing. Allele origin: germline.
Comment: This sequence change replaces glutamic acid, which is acidic and polar, with aspartic acid, which is acidic and polar, at codon 2248 of the HTT protein (p.Glu2248Asp). This variant is not present in population databases (gnomAD no frequency). This variant has not been reported in the literature in individuals affected with HTT-related conditions. Experimental studies and prediction algorithms are not available or were not evaluated, and the functional significance of this variant is currently unknown. In summary, the available evidence is currently insufficient to determine the role of this variant in disease. Therefore, it has been classified as a Variant of Uncertain Significance.

NM_001388492.1(HTT):c.6738G>C (p.Glu2246Asp)

Gene: HTT (huntingtin; plus strand). Cytogenetic location: 4p16.3.
Variant type: single nucleotide variant.
Coding change: c.6738G>C on transcript NM_001388492.1 (MANE Select); coding-DNA position 6738, G replaced by C.
Protein change: p.Glu2246Asp; replaces glutamic acid 2246 with aspartic acid.
Molecular consequence: missense variant.
Genome position (GRCh38, 1-based): chr4:3,212,673, G>C. VCF-style: chr4-3212673-G-C. GRCh37 (hg19) VCF-style: chr4-3214400-G-C.
Other names: c.6744G>C, p.Glu2248Asp (NM_002111.8); short protein forms E2246D, E2248D.
Identifiers: ClinVar variation 1510416 (VCV001510416.6), dbSNP rs1720219742, ClinGen allele CA356091504.